The following is an entry in ClinVar:

ClinVar aggregate classification (germline): Likely benign (1 of 4 stars; one submission).

Conditions:
Neurodevelopmental disorder with hypotonia, seizures, and absent language (NDHSAL). Identifiers: MedGen C4310643, MONDO:0014995, OMIM 617268.

Allele frequency attached by ClinVar (database versions not stated): gnomAD 0.00001.
gnomAD v4.1: 1 of 1,599,366 alleles (0.000063%); highest among the groups gnomAD compares: South Asian, 0.0011%; no homozygotes.

Submission:

Institute of Medical Genetics and Genomics, Sir Ganga Ram Hospital
Classification: Likely benign for Neurodevelopmental disorder with hypotonia, seizures, and absent language. Last evaluated: 2023-06-28. Review status: criteria provided, single submitter. Criteria: ACMG Guidelines, 2015. Collection method: clinical testing. Allele origin: inherited. Inheritance: Autosomal dominant inheritance. Affected: yes. Observed: 1 heterozygote.
Comment: This variant has not been found in gnomAD (aggregated) (PM2_moderate). In-silico prediction tools predict a benign effect of the variant on the gene (BP4_supporting).

NM_001348768.2(HECW2):c.1648G>C (p.Gly550Arg)

Gene: HECW2 (HECT, C2 and WW domain containing E3 ubiquitin protein ligase 2; minus strand). Cytogenetic location: 2q32.3.
Variant type: single nucleotide variant.
Coding change: c.1648G>C on transcript NM_001348768.2 (MANE Select); coding-DNA position 1648, G replaced by C.
Protein change: p.Gly550Arg; replaces glycine 550 with arginine.
Molecular consequence: missense variant.
Genome position (GRCh38, 1-based): chr2:196,319,242, C>G on the plus strand (G>C on the coding strand, the complement: HECW2 is on the minus strand). VCF-style: chr2-196319242-C-G. GRCh37 (hg19) VCF-style: chr2-197183966-C-G.
Other names: c.580G>C, p.Gly194Arg (NM_001304840.3); c.1648G>C, p.Gly550Arg (NM_020760.4); short protein forms G194R, G550R.
Identifiers: ClinVar variation 2506959 (VCV002506959.2), dbSNP rs1691839784, ClinGen allele CA349965739.